The following is an entry in ClinVar:

NM_001105206.3(LAMA4):c.3483G>A (p.Met1161Ile)

Gene: LAMA4 (laminin subunit alpha 4; minus strand). Cytogenetic location: 6q21.
Variant type: single nucleotide variant.
Coding change: c.3483G>A on transcript NM_001105206.3 (MANE Select); coding-DNA position 3483, G replaced by A.
Protein change: p.Met1161Ile; replaces methionine 1161 with isoleucine.
Molecular consequence: missense variant.
Genome position (GRCh38, 1-based): chr6:112,134,541, C>T on the plus strand (G>A on the coding strand, the complement: LAMA4 is on the minus strand). VCF-style: chr6-112134541-C-T. GRCh37 (hg19) VCF-style: chr6-112455743-C-T.
Other names: c.3462G>A, p.Met1154Ile (NM_001105207.3, NM_002290.5); short protein forms M1161I, M1154I.
Identifiers: ClinVar variation 649541 (VCV000649541.2), dbSNP rs1330472146, ClinGen allele CA365377003.

ClinVar aggregate classification (germline): Uncertain significance (1 of 4 stars; one submission).

Conditions:
Dilated cardiomyopathy 1JJ (CMD1JJ). Identifiers: Orphanet 154, MedGen C3808935, MONDO:0014095, OMIM 615235.

Allele frequency attached by ClinVar (database versions not stated): TOPMed 0.00001.

Submission:

Labcorp Genetics (formerly Invitae), Labcorp
Classification: Uncertain significance for Dilated cardiomyopathy 1JJ. Last evaluated: 2019-02-28. Review status: criteria provided, single submitter. Criteria: Invitae Variant Classification Sherloc (09022015). Collection method: clinical testing. Allele origin: germline.
Comment: This sequence change replaces methionine with isoleucine at codon 1154 of the LAMA4 protein (p.Met1154Ile). The methionine residue is moderately conserved and there is a small physicochemical difference between methionine and isoleucine. This variant is not present in population databases (ExAC no frequency). This variant has not been reported in the literature in individuals with LAMA4-related disease. Algorithms developed to predict the effect of missense changes on protein structure and function (SIFT, PolyPhen-2, Align-GVGD) all suggest that this variant is likely to be tolerated, but these predictions have not been confirmed by published functional studies and their clinical significance is uncertain. In summary, the available evidence is currently insufficient to determine the role of this variant in disease. Therefore, it has been classified as a Variant of Uncertain Significance.